The following is an entry in ClinVar:

NM_000256.3(MYBPC3):c.2267del (p.Pro756fs)

Gene: MYBPC3 (myosin binding protein C3; minus strand). Cytogenetic location: 11p11.2.
Variant type: Deletion.
Coding change: c.2267del on transcript NM_000256.3 (MANE Select); coding-DNA position 2267, one base deleted (C; older notation c.2267delC).
Protein change: p.Pro756fs; shifts the reading frame from proline 756.
Molecular consequence: frameshift variant.
Genome position (GRCh38, 1-based): chr11:47,338,561, G deleted on the plus strand (C on the coding strand, the reverse complement: MYBPC3 is on the minus strand); the first of 3 consecutive G bases (chr11:47,338,561-47,338,563); deleting any one gives the same sequence. VCF-style (leftmost placement, unchanged base first): chr11-47338560-AG-A. GRCh37 (hg19) VCF-style: chr11-47360111-AG-A.
Other names: c.2267del, p.Pro756fs (LRG_386t1); c.2267delC (NM_000256.3); short protein forms P756fs.
Identifiers: ClinVar variation 181078 (VCV000181078.21), dbSNP rs730880651, ClinGen allele CA011951.

ClinVar aggregate classification (germline): Pathogenic. Review status: criteria provided, multiple submitters, no conflicts (2 of 4 stars). 7 submissions from 7 submitters: Pathogenic (7). Last evaluated 2025-10-06.

Conditions:
Cardiovascular phenotype. Identifiers: MedGen CN230736.
Cardiomyopathy (CMYO). Also called: Cardiomyopathies. Identifiers: Orphanet 167848, MedGen C0878544, MONDO:0004994, HP:0001638. Inheritance: Various modes of inheritance.
Hypertrophic cardiomyopathy 4. Also called: Familial hypertrophic cardiomyopathy 4. Identifiers: MedGen C1861862, MONDO:0007268, OMIM 115197.
Hypertrophic cardiomyopathy. Also called: HYPERTROPHIC MYOCARDIOPATHY. Identifiers: Orphanet 217569, MedGen C0007194, MeSH D002312, MONDO:0005045, HP:0001639.

Submissions (7):

GeneDx
Classification: Pathogenic. Last evaluated: 2025-10-06. Review status: criteria provided, single submitter. Criteria: GeneDx Variant Classification Process June 2021. Collection method: clinical testing. Allele origin: germline. Affected: yes.
Comment: Frameshift variant predicted to result in protein truncation or nonsense mediated decay in a gene for which loss-of-function is a known mechanism of disease; Not observed at significant frequency in large population cohorts (gnomAD); This variant is associated with the following publications: (PMID: 20474083, 27532257, 10521296, 37652022, 33495597, 28615295, 32841044, 33495596, 30297972, 36243179)

All of Us Research Program, National Institutes of Health
Classification: Pathogenic for Hypertrophic cardiomyopathy. Last evaluated: 2024-07-10. Review status: criteria provided, single submitter. Criteria: ACMG Guidelines, 2015. Collection method: clinical testing. Allele origin: germline. Inheritance: Autosomal dominant inheritance. Observed: 1 variant allele, 1 heterozygote.
Comment: This variant deletes 1 nucleotide in exon 23 of the MYBPC3 gene, creating a frameshift and premature translation stop signal. This variant is expected to result in an absent or non-functional protein product. This variant has been reported in individuals affected with hypertrophic cardiomyopathy (PMID: 10521296, 27532257, 30297972, 32841044, 33782553, 33495596, 33495597, 38489124). This variant has not been identified in the general population by the Genome Aggregation Database (gnomAD). Loss of MYBPC3 function is a known mechanism of disease. Based on the available evidence, this variant is classified as Pathogenic.

This study involves interpretation of variants in research participants for the purpose of population health screening. Participant phenotype was not available at the time of variant classification. Additional details can be found in publication PMID: 35346344, PMCID: PMC8962531

Labcorp Genetics (formerly Invitae), Labcorp
Classification: Pathogenic for Hypertrophic cardiomyopathy. Last evaluated: 2024-05-22. Review status: criteria provided, single submitter. Criteria: Invitae Variant Classification Sherloc (09022015). Collection method: clinical testing. Allele origin: germline.
Comment: This sequence change creates a premature translational stop signal (p.Pro756Leufs*66) in the MYBPC3 gene. It is expected to result in an absent or disrupted protein product. Loss-of-function variants in MYBPC3 are known to be pathogenic (PMID: 19574547). This variant is not present in population databases (gnomAD no frequency). This premature translational stop signal has been observed in individual(s) with hypertrophic cardiomyopathy (PMID: 10521296, 27532257). ClinVar contains an entry for this variant (Variation ID: 181078). For these reasons, this variant has been classified as Pathogenic.

Color Diagnostics, LLC DBA Color Health
Classification: Pathogenic for Cardiomyopathy. Last evaluated: 2024-04-05. Review status: criteria provided, single submitter. Criteria: ACMG Guidelines, 2015. Collection method: clinical testing. Allele origin: germline.
Comment: This variant deletes 1 nucleotide in exon 23 of the MYBPC3 gene, creating a frameshift and premature translation stop signal. This variant is expected to result in an absent or non-functional protein product. This variant has been reported in individuals affected with hypertrophic cardiomyopathy (PMID: 10521296, 27532257, 30297972, 32841044, 33782553, 33495596, 33495597, 38489124). This variant has not been identified in the general population by the Genome Aggregation Database (gnomAD). Loss of MYBPC3 function is a known mechanism of disease. Based on the available evidence, this variant is classified as Pathogenic.

Ambry Genetics
Classification: Pathogenic for Cardiovascular phenotype. Last evaluated: 2024-03-22. Review status: criteria provided, single submitter. Criteria: Ambry Variant Classification Scheme 2023. Collection method: clinical testing. Allele origin: germline.
Comment: The c.2267delC pathogenic mutation, located in coding exon 23 of the MYBPC3 gene, results from a deletion of one nucleotide at nucleotide position 2267, causing a translational frameshift with a predicted alternate stop codon (p.P756Lfs*66). This variant was reported in multiple individuals with features consistent with hypertrophic cardiomyopathy (Moolman-Smook JC et al. Am J Hum Genet. 1999 Nov;65(5):1308-20; Ross SB et al. Circ Cardiovasc Genet, 2017 Jun;10; Walsh R et al. Genet Med, 2017 Feb;19:192-203; Helms AS et al. Circ Genom Precis Med, 2020 Oct;13:396-405). This variant is considered to be rare based on population cohorts in the Genome Aggregation Database (gnomAD). This alteration is expected to result in loss of function by premature protein truncation or nonsense-mediated mRNA decay. As such, this alteration is interpreted as a disease-causing mutation.

Victorian Clinical Genetics Services, Murdoch Childrens Research Institute
Classification: Pathogenic for Hypertrophic cardiomyopathy 4. Last evaluated: 2022-06-24. Review status: criteria provided, single submitter. Criteria: ACMG Guidelines, 2015. Collection method: clinical testing. Allele origin: germline. Inheritance: Autosomal dominant inheritance. Affected: yes.
Comment: Based on the classification scheme VCGS_Germline_v1.3.4, this variant is classified as Pathogenic. Following criteria are met: 0102 - Loss of function is a known mechanism of disease in this gene and is associated with hypertrophic cardiomyopathy 4 (HCM; MIM#115197). (I) 0108 - This gene is associated with both recessive and dominant disease. Dominant inheritance is frequently reported in adult onset conditions, however recessive inheritance results in a more severe early onset phenotype (OMIM). (I) 0201 - Variant is predicted to cause nonsense-mediated decay (NMD) and loss of protein (premature termination codon is located at least 54 nucleotides upstream of the final exon-exon junction). (SP) 0251 - This variant is heterozygous. (I) 0301 - Variant is absent from gnomAD (both v2 and v3). (SP) 0701 - Other premature termination variants comparable to the one identified in this case have very strong previous evidence for pathogenicity. Many NMD-predicted variants in this gene have been reported as likely pathogenic/pathogenic (ClinVar). (SP) 0801 - This variant has strong previous evidence of pathogenicity in unrelated individuals. It has been reported multiple times as pathogenic, including in more than five unrelated individuals with HCM (cardiodb, ClinVar, PMID: 10521296). (SP) 1208 - Inheritance information for this variant is not currently available in this individual. (I) Legend: (SP) - Supporting pathogenic, (I) - Information, (SB) - Supporting benign

CHEO Genetics Diagnostic Laboratory, Children's Hospital of Eastern Ontario
Classification: Pathogenic for Cardiomyopathy. Last evaluated: 2022-04-07. Review status: criteria provided, single submitter. Criteria: ACMG Guidelines, 2015. Collection method: clinical testing. Allele origin: germline.

Literature cited by the submitters: PubMed 10521296 (cited by 4 submitters); PubMed 27532257 (cited by 4 submitters); PubMed 30297972 (cited by All of Us Research Program, National Institutes of Health and Color Diagnostics, LLC DBA Color Health); PubMed 32841044 (cited by 3 submitters); PubMed 33495596 (cited by All of Us Research Program, National Institutes of Health and Color Diagnostics, LLC DBA Color Health); PubMed 33495597 (cited by All of Us Research Program, National Institutes of Health and Color Diagnostics, LLC DBA Color Health); PubMed 33782553 (cited by All of Us Research Program, National Institutes of Health and Color Diagnostics, LLC DBA Color Health); PubMed 38489124 (cited by All of Us Research Program, National Institutes of Health and Color Diagnostics, LLC DBA Color Health); PubMed 19574547 (cited by Labcorp Genetics (formerly Invitae), Labcorp); PubMed 28615295 (cited by Ambry Genetics).